The following is an entry in ClinVar:

ClinVar aggregate classification (germline): Uncertain significance (1 of 4 stars; one submission).

gnomAD v4.1: 15 of 1,613,894 alleles (0.00093%); highest among the groups gnomAD compares: Admixed American, 0.013%; no homozygotes.

Submission:

Dasa
Classification: Uncertain significance. Last evaluated: 2025-02-02. Review status: criteria provided, single submitter. Criteria: DASA Assertion Criteria. Collection method: clinical testing. Allele origin: germline.
Comment: NM_001206999.2(CIT):c.1640G>A (p.Arg547Gln) is a missense variant that results in the substitution of arginine with glutamine. This variant is rare in population databases. Computational prediction algorithms are consistent with a benign effect. The currently available literature and clinical evidence are not sufficient to establish a definitive association between this variant and the reported condition. Therefore, this variant is classified as a variant of uncertain significance.

NM_001206999.2(CIT):c.1640G>A (p.Arg547Gln)

Gene: CIT (citron rho-interacting serine/threonine kinase; minus strand). Cytogenetic location: 12q24.23.
Variant type: single nucleotide variant.
Coding change: c.1640G>A on transcript NM_001206999.2 (MANE Select); coding-DNA position 1640, G replaced by A.
Protein change: p.Arg547Gln; replaces arginine 547 with glutamine.
Molecular consequence: missense variant.
Genome position (GRCh38, 1-based): chr12:119,782,543, C>T on the plus strand (G>A on the coding strand, the complement: CIT is on the minus strand). VCF-style: chr12-119782543-C-T. GRCh37 (hg19) VCF-style: chr12-120220347-C-T.
Other names: c.1640G>A, p.Arg547Gln (NM_007174.3); short protein forms R547Q.
Identifiers: ClinVar variation 4885706 (VCV004885706.2).